The following is an entry in ClinVar:

ClinVar aggregate classification (germline): Benign/Likely benign. Review status: criteria provided, multiple submitters, no conflicts (2 of 4 stars). 4 submissions from 4 submitters: Benign (1); Likely benign (3). Last evaluated 2025-11-14.

Conditions:
TCOF1-related disorder. Also called: TCOF1-related condition.
Treacher Collins syndrome 1 (TCS1). Also called: TCOF1-Related Treacher Collins Syndrome. Identifiers: Orphanet 861, MedGen CN315775, MONDO:0007944, OMIM 154500.

Allele frequency attached by ClinVar (database versions not stated): gnomAD 0.00002 and 0.00004; TOPMed 0.00006; ExAC 0.00009; gnomAD exomes 0.00014; 1000 Genomes Project 0.00020; 1000 Genomes Project 30x 0.00031.
gnomAD v4.1: 37 of 1,610,094 alleles (0.0023%); highest among the groups gnomAD compares: East Asian, 0.069%; no homozygotes.

Submissions (4):

PreventionGenetics, part of Exact Sciences
Classification: Likely benign for TCOF1-related condition. Last evaluated: 2025-11-14. Review status: criteria provided, single submitter. Criteria: ACMG Guidelines, 2015. Collection method: clinical testing. Allele origin: germline.
Comment: This variant is classified as likely benign based on ACMG/AMP sequence variant interpretation guidelines (Richards et al. 2015 PMID: 25741868, with internal and published modifications).

Labcorp Genetics (formerly Invitae), Labcorp
Classification: Likely benign for Treacher Collins syndrome 1. Last evaluated: 2024-12-17. Review status: criteria provided, single submitter. Criteria: Invitae Variant Classification Sherloc (09022015). Collection method: clinical testing. Allele origin: germline.

Blueprint Genetics
Classification: Likely benign. Last evaluated: 2023-05-11. Review status: criteria provided, single submitter. Criteria: ACMG Guidelines, 2015. Collection method: clinical testing. Allele origin: germline.

GeneDx
Classification: Benign. Last evaluated: 2020-04-01. Review status: criteria provided, single submitter. Criteria: GeneDx Variant Classification Process June 2021. Collection method: clinical testing. Allele origin: germline. Affected: yes.

NM_001371623.1(TCOF1):c.4023G>A (p.Lys1341=)

Gene: TCOF1 (treacle ribosome biogenesis factor 1; plus strand). Cytogenetic location: 5q32.
Variant type: single nucleotide variant.
Coding change: c.4023G>A on transcript NM_001371623.1 (MANE Select); coding-DNA position 4023, G replaced by A.
Protein change: p.Lys1341=; no amino-acid change (lysine 1341 retained).
Molecular consequence: synonymous variant.
Genome position (GRCh38, 1-based): chr5:150,396,520, G>A. VCF-style: chr5-150396520-G-A. GRCh37 (hg19) VCF-style: chr5-149776083-G-A.
Other names: c.3789G>A, p.Lys1263= (NM_000356.4); c.4020G>A, p.Lys1340= (NM_001135243.2); c.3909G>A, p.Lys1303= (NM_001135244.2); c.3792G>A, p.Lys1264= (NM_001135245.2); c.3906G>A, p.Lys1302= (NM_001195141.2).
Identifiers: ClinVar variation 543945 (VCV000543945.13), dbSNP rs199890846, ClinGen allele CA3511651.